The following is an entry in ClinVar:

ClinVar aggregate classification (germline): Conflicting classifications of pathogenicity. Review status: criteria provided, conflicting classifications (1 of 4 stars). 3 submissions from 3 submitters: Uncertain significance (1); Likely benign (2). Last evaluated 2025-02-20.

Conditions:
Cardiomyopathy (CMYO). Also called: Cardiomyopathies. Identifiers: Orphanet 167848, MedGen C0878544, MONDO:0004994, HP:0001638. Inheritance: Various modes of inheritance.
Arrhythmogenic right ventricular cardiomyopathy (ARVD). Also called: Arrhythmogenic cardiomyopathy; Cardiomyopathy, ARVC; Arrhythmogenic right ventricular dysplasia; Arrhythmogenic Right Ventricular Cardiomyopathy (ARVC). Identifiers: Orphanet 247, MedGen C0349788, MeSH D019571, MONDO:0016587. Disease mechanism: loss of function. Inheritance: Various modes of inheritance.
Arrhythmogenic right ventricular dysplasia 10. Also called: Arrhythmogenic Right Ventricular Dysplasia/Cardiomyopathy10; ARRHYTHMOGENIC RIGHT VENTRICULAR DYSPLASIA, FAMILIAL, 10; Arrhythmogenic right ventricular dysplasia/cardiomyopathy, type 10. Identifiers: MedGen C1857777, MONDO:0012434, OMIM 610193.

Allele frequency attached by ClinVar (database versions not stated): gnomAD exomes 0.00001 and 0.00006; gnomAD 0.00021 and 0.00024; TOPMed 0.00022.
gnomAD v4.1: 48 of 1,608,788 alleles (0.003%); highest among the groups gnomAD compares: Admixed American, 0.079%; no homozygotes.

Submissions (3):

Labcorp Genetics (formerly Invitae), Labcorp
Classification: Uncertain significance for Arrhythmogenic right ventricular dysplasia 10. Last evaluated: 2025-02-20. Review status: criteria provided, single submitter. Criteria: Invitae Variant Classification Sherloc (09022015). Collection method: clinical testing. Allele origin: germline.
Comment: This sequence change replaces alanine, which is neutral and non-polar, with threonine, which is neutral and polar, at codon 980 of the DSG2 protein (p.Ala980Thr). This variant is present in population databases (no rsID available, gnomAD 0.04%). This variant has not been reported in the literature in individuals affected with DSG2-related conditions. ClinVar contains an entry for this variant (Variation ID: 925814). Invitae Evidence Modeling of protein sequence and biophysical properties (such as structural, functional, and spatial information, amino acid conservation, physicochemical variation, residue mobility, and thermodynamic stability) has been performed for this missense variant. However, the output from this modeling did not meet the statistical confidence thresholds required to predict the impact of this variant on DSG2 protein function. In summary, the available evidence is currently insufficient to determine the role of this variant in disease. Therefore, it has been classified as a Variant of Uncertain Significance.

All of Us Research Program, National Institutes of Health
Classification: Likely benign for Arrhythmogenic right ventricular cardiomyopathy. Last evaluated: 2023-12-18. Review status: criteria provided, single submitter. Criteria: ACMG Guidelines, 2015. Collection method: clinical testing. Allele origin: germline. Inheritance: Autosomal dominant inheritance. Observed: 1 variant allele, 1 heterozygote.
Comment: This study involves interpretation of variants in research participants for the purpose of population health screening. Participant phenotype was not available at the time of variant classification. Additional details can be found in publication PMID: 35346344, PMCID: PMC8962531

Color Diagnostics, LLC DBA Color Health
Classification: Likely benign for Cardiomyopathy. Last evaluated: 2022-08-03. Review status: criteria provided, single submitter. Criteria: ACMG Guidelines, 2015. Collection method: clinical testing. Allele origin: germline.

NM_001943.5(DSG2):c.2938G>A (p.Ala980Thr)

Genes: DSG2 (desmoglein 2; plus strand), DSG2-AS1 (DSG2 antisense RNA 1; minus strand). Cytogenetic location: 18q12.1.
Variant type: single nucleotide variant.
Coding change: c.2938G>A on transcript NM_001943.5 (MANE Select); coding-DNA position 2938, G replaced by A.
Protein change: p.Ala980Thr; replaces alanine 980 with threonine.
Molecular consequence: missense variant.
Genome position (GRCh38, 1-based): chr18:31,546,324, G>A. VCF-style: chr18-31546324-G-A. GRCh37 (hg19) VCF-style: chr18-29126287-G-A.
Other names: short protein forms A980T.
Identifiers: ClinVar variation 925814 (VCV000925814.7), dbSNP rs1387453473, ClinGen allele CA402147445.